The following is an entry in ClinVar:

NM_003036.4(SKI):c.1055C>T (p.Pro352Leu)

Gene: SKI (SKI proto-oncogene; plus strand). Cytogenetic location: 1p36.32.
Variant type: single nucleotide variant.
Coding change: c.1055C>T on transcript NM_003036.4 (MANE Select); coding-DNA position 1055, C replaced by T.
Protein change: p.Pro352Leu; replaces proline 352 with leucine.
Molecular consequence: missense variant.
Genome position (GRCh38, 1-based): chr1:2,303,063, C>T. VCF-style: chr1-2303063-C-T. GRCh37 (hg19) VCF-style: chr1-2234502-C-T.
Other names: c.1055C>T (NM_003036.3); short protein forms P352L.
Identifiers: ClinVar variation 2163656 (VCV002163656.5), dbSNP rs920642252, ClinGen allele CA16895323.

ClinVar aggregate classification (germline): Uncertain significance. Review status: criteria provided, multiple submitters, no conflicts (2 of 4 stars). 2 submissions from 2 submitters: Uncertain significance (2). Last evaluated 2025-12-10.

Conditions:
Familial thoracic aortic aneurysm and aortic dissection (TAAD). Also called: Thoracic aortic aneurysms and dissections. Identifiers: Orphanet 91387, MedGen C4707243, MONDO:0019625.
Shprintzen-Goldberg syndrome (SGS). Also called: Marfanoid disorder with craniosynostosis type 1; Marfanoid craniosynostosis syndrome; Shprintzen-Goldberg marfanoid syndrome; SHPRINTZEN-GOLDBERG CRANIOSYNOSTOSIS SYNDROME; CRANIOSYNOSTOSIS WITH ARACHNODACTYLY AND ABDOMINAL HERNIAS. Identifiers: Orphanet 2462, MedGen C1321551, MONDO:0008426, OMIM 182212.

Allele frequency attached by ClinVar (database versions not stated): TOPMed below 0.00001; gnomAD exomes 0.00001.
gnomAD v4.1: 12 of 1,613,596 alleles (0.00074%); highest among the groups gnomAD compares: Admixed American, 0.0017%; no homozygotes.

Submissions (2):

Ambry Genetics
Classification: Uncertain significance for Familial thoracic aortic aneurysm and aortic dissection. Last evaluated: 2025-12-10. Review status: criteria provided, single submitter. Criteria: Ambry Variant Classification Scheme 2023. Collection method: clinical testing. Allele origin: germline.
Comment: The p.P352L variant (also known as c.1055C>T), located in coding exon 2 of the SKI gene, results from a C to T substitution at nucleotide position 1055. The proline at codon 352 is replaced by leucine, an amino acid with similar properties. This amino acid position is conserved. In addition, this alteration is predicted to be tolerated by in silico analysis. Based on the available evidence, the clinical significance of this variant remains unclear.

Labcorp Genetics (formerly Invitae), Labcorp
Classification: Uncertain significance for Shprintzen-Goldberg syndrome. Last evaluated: 2024-06-29. Review status: criteria provided, single submitter. Criteria: Invitae Variant Classification Sherloc (09022015). Collection method: clinical testing. Allele origin: germline.
Comment: This sequence change replaces proline, which is neutral and non-polar, with leucine, which is neutral and non-polar, at codon 352 of the SKI protein (p.Pro352Leu). This variant is present in population databases (no rsID available, gnomAD 0.004%). This variant has not been reported in the literature in individuals affected with SKI-related conditions. ClinVar contains an entry for this variant (Variation ID: 2163656). Advanced modeling of protein sequence and biophysical properties (such as structural, functional, and spatial information, amino acid conservation, physicochemical variation, residue mobility, and thermodynamic stability) performed at Invitae indicates that this missense variant is not expected to disrupt SKI protein function with a negative predictive value of 95%. In summary, the available evidence is currently insufficient to determine the role of this variant in disease. Therefore, it has been classified as a Variant of Uncertain Significance.